The following is an entry in ClinVar:

NM_001367943.1(TCF7L2):c.1454del (p.Lys485fs)

Gene: TCF7L2 (transcription factor 7 like 2; plus strand). Cytogenetic location: 10q25.3.
Variant type: Deletion.
Coding change: c.1454del on transcript NM_001367943.1 (MANE Select); coding-DNA position 1454, one base deleted (A; older notation c.1454delA).
Protein change: p.Lys485fs; shifts the reading frame from lysine 485.
Molecular consequence: frameshift variant. On other transcripts: 3 prime UTR variant (5).
Genome position (GRCh38, 1-based): chr10:113,165,566, A deleted; the last of 9 consecutive A bases (chr10:113,165,558-113,165,566); deleting any one gives the same sequence. VCF-style (leftmost placement, unchanged base first): chr10-113165557-GA-G. GRCh37 (hg19) VCF-style: chr10-114925316-GA-G.
Other names: c.1403del, p.Lys468fs (NM_001146274.2); c.1402del, p.Ser468fs (NM_001146283.2); c.1300del, p.Ser434fs (NM_001146284.2); c.1334del, p.Lys445fs (NM_001146285.2, NM_001198526.2); c.1261del, p.Ser421fs (NM_001146286.2); c.*42del (NM_001198525.2); c.*30del (NM_001198527.2, NM_001198528.2, NM_001349870.2 and 1 more transcripts); c.1312del, p.Ser438fs (NM_001198529.2); and 4 more; short protein forms K445fs, K462fs, K468fs, K485fs, S387fs, S421fs, S434fs, S438fs.
Identifiers: ClinVar variation 4532384 (VCV004532384.1).

ClinVar aggregate classification (germline): Uncertain significance (1 of 4 stars; one submission).

Submission:

GeneDx
Classification: Uncertain significance. Last evaluated: 2025-05-29. Review status: criteria provided, single submitter. Criteria: GeneDx Variant Classification Process June 2021. Collection method: clinical testing. Allele origin: germline. Affected: yes.
Comment: Frameshift variant predicted to result in abnormal protein length as the last 135 amino acid(s) are replaced with 22 different amino acid(s); Has not been previously published as pathogenic or benign to our knowledge